The following is an entry in ClinVar:

GRCh37/hg19 17p12(chr17:14690080-15313716)x1

Genes: PMP22 (peripheral myelin protein 22; minus strand), TEKT3 (tektin 3; minus strand). Cytogenetic location: 17p12.
Variant type: copy number loss.
Change: copy number 1 (one copy instead of two) of chr17:14,690,080-15,313,716 (623.6 kb, GRCh37 coordinates, 1-based), cytogenetic band 17p12.
Identifiers: ClinVar variation 2685596 (VCV002685596.1).

ClinVar aggregate classification (germline): Pathogenic (1 of 4 stars; one submission).

Submission:

Quest Diagnostics Nichols Institute San Juan Capistrano
Classification: Pathogenic. Last evaluated: 2023-02-07. Review status: criteria provided, single submitter. Criteria: ACMG/ClinGen CNV Guidelines, 2019. Collection method: clinical testing. Allele origin: unknown.
Comment: The copy number loss of 17p12 contains gene PMP22 (OMIM 601097). Haploinsufficiency of PMP22 is associated with hereditary neuropathy with liability to pressure palsies (HNPP; OMIM 162500, Attarian 2020, Chrestian 2020). Additionally, there are no similar copy number losses of this region reported in the general populations of the Database of Genomic Variants. Thus, based on current medical literature and gene content, this copy number variant (CNV) is classified as pathogenic with variable expressivity. References: Attarian et al., J Neurol. 2020 Aug;267(8):2198-2206. PMID: 30989370; Chrestian et al., GeneReviewsÂ® [Internet]. Seattle (WA): University of Washington, Seattle; 1993. 1998 Sep 28 [updated 2020 Aug 27].